The following is an entry in ClinVar:

ClinVar aggregate classification (germline): Uncertain significance. Review status: criteria provided, multiple submitters, no conflicts (2 of 4 stars). 3 submissions from 3 submitters: Uncertain significance (3). Last evaluated 2026-07-12.

Conditions:
Retinoblastoma (RB1). Also called: RETINOBLASTOMA, SOMATIC. Identifiers: Orphanet 790, MedGen C0035335, MeSH D012175, MONDO:0008380, OMIM 180200, HP:0009919. Disease mechanism: loss of function. Inheritance: Both sporadic and heritable forms are tested..
Hereditary cancer-predisposing syndrome. Also called: Neoplastic Syndromes, Hereditary; Hereditary Cancer Syndrome; Hereditary neoplastic syndrome; Tumor predisposition. Identifiers: Orphanet 140162, MedGen C0027672, MeSH D009386, MONDO:0015356.

Submissions (3):

Ambry Genetics
Classification: Uncertain significance for Hereditary cancer-predisposing syndrome. Last evaluated: 2026-07-12. Review status: criteria provided, single submitter. Criteria: Ambry Variant Classification Scheme 2023. Collection method: clinical testing. Allele origin: germline.
Comment: The p.M851T variant (also known as c.2552T>C), located in coding exon 25 of the RB1 gene, results from a T to C substitution at nucleotide position 2552. The methionine at codon 851 is replaced by threonine, an amino acid with similar properties. This amino acid position is conserved. In addition, this alteration is predicted to be deleterious by in silico analysis. Based on the available evidence, the clinical significance of this variant remains unclear.

Color Diagnostics, LLC DBA Color Health
Classification: Uncertain significance for Retinoblastoma. Last evaluated: 2025-09-11. Review status: criteria provided, single submitter. Criteria: ACMG Guidelines, 2015. Collection method: clinical testing. Allele origin: germline.
Comment: This missense variant replaces methionine with threonine at codon 851 of the RB1 protein. Computational prediction suggests that this variant may have deleterious impact on protein structure and function. To our knowledge, functional studies have not been reported for this variant. This variant has not been reported in individuals affected with RB1-related disorders in the literature. This variant has not been identified in the general population by the Genome Aggregation Database (gnomAD). The available evidence is insufficient to determine the role of this variant in disease conclusively. Therefore, this variant is classified as a Variant of Uncertain Significance.

Labcorp Genetics (formerly Invitae), Labcorp
Classification: Uncertain significance for Retinoblastoma. Last evaluated: 2021-11-14. Review status: criteria provided, single submitter. Criteria: Invitae Variant Classification Sherloc (09022015). Collection method: clinical testing. Allele origin: germline.
Comment: In summary, the available evidence is currently insufficient to determine the role of this variant in disease. Therefore, it has been classified as a Variant of Uncertain Significance. Algorithms developed to predict the effect of missense changes on protein structure and function (SIFT, PolyPhen-2, Align-GVGD) all suggest that this variant is likely to be disruptive. ClinVar contains an entry for this variant (Variation ID: 577035). This variant has not been reported in the literature in individuals affected with RB1-related conditions. This variant is not present in population databases (gnomAD no frequency). This sequence change replaces methionine, which is neutral and non-polar, with threonine, which is neutral and polar, at codon 851 of the RB1 protein (p.Met851Thr).

NM_000321.3(RB1):c.2552T>C (p.Met851Thr)

Gene: RB1 (RB transcriptional corepressor 1; plus strand). Cytogenetic location: 13q14.2.
Variant type: single nucleotide variant.
Coding change: c.2552T>C on transcript NM_000321.3 (MANE Select); coding-DNA position 2552, T replaced by C.
Protein change: p.Met851Thr; replaces methionine 851 with threonine.
Molecular consequence: missense variant.
Genome position (GRCh38, 1-based): chr13:48,476,732, T>C. VCF-style: chr13-48476732-T-C. GRCh37 (hg19) VCF-style: chr13-49050868-T-C.
Other names: short protein forms M851T.
Identifiers: ClinVar variation 577035 (VCV000577035.7), dbSNP rs1566240932, ClinGen allele CA388168254.